The following is an entry in ClinVar:

ClinVar aggregate classification (germline): Conflicting classifications of pathogenicity. Review status: criteria provided, conflicting classifications (1 of 4 stars). 2 submissions from 2 submitters: Uncertain significance (1); Likely benign (1). Last evaluated 2024-02-26.

Conditions:
Hereditary cancer-predisposing syndrome. Also called: Neoplastic Syndromes, Hereditary; Hereditary neoplastic syndrome; Tumor predisposition; Hereditary Cancer Syndrome. Identifiers: Orphanet 140162, MedGen C0027672, MeSH D009386, MONDO:0015356.
Breast-ovarian cancer, familial, susceptibility to, 4. Identifiers: Orphanet 145, MedGen C3280345, MONDO:0013669, OMIM 614291.

Submissions (2):

Ambry Genetics
Classification: Likely benign for Hereditary cancer-predisposing syndrome. Last evaluated: 2024-02-26. Review status: criteria provided, single submitter. Criteria: Ambry Variant Classification Scheme 2023. Collection method: clinical testing. Allele origin: germline.

Labcorp Genetics (formerly Invitae), Labcorp
Classification: Uncertain significance for Breast-ovarian cancer, familial, susceptibility to, 4. Last evaluated: 2021-11-26. Review status: criteria provided, single submitter. Criteria: Invitae Variant Classification Sherloc (09022015). Collection method: clinical testing. Allele origin: germline.
Comment: This variant is not present in population databases (gnomAD no frequency). This sequence change replaces serine, which is neutral and polar, with leucine, which is neutral and non-polar, at codon 287 of the RAD51D protein (p.Ser287Leu). This variant has not been reported in the literature in individuals affected with RAD51D-related conditions. In summary, the available evidence is currently insufficient to determine the role of this variant in disease. Therefore, it has been classified as a Variant of Uncertain Significance. Algorithms developed to predict the effect of missense changes on protein structure and function (SIFT, PolyPhen-2, Align-GVGD) all suggest that this variant is likely to be tolerated.

NM_002878.4(RAD51D):c.860C>T (p.Ser287Leu)

Genes: RAD51D (RAD51 paralog D; minus strand), RAD51L3-RFFL (RAD51L3-RFFL readthrough; minus strand). Cytogenetic location: 17q12.
Variant type: single nucleotide variant.
Coding change: c.860C>T on transcript NM_002878.4 (MANE Select); coding-DNA position 860, C replaced by T.
Protein change: p.Ser287Leu; replaces serine 287 with leucine.
Molecular consequence: missense variant. On other transcripts: non-coding transcript variant (3).
Genome position (GRCh38, 1-based): chr17:35,101,244, G>A on the plus strand (C>T on the coding strand, the complement: RAD51D is on the minus strand). VCF-style: chr17-35101244-G-A. GRCh37 (hg19) VCF-style: chr17-33428263-G-A.
Other names: c.920C>T, p.Ser307Leu (NM_001142571.2); c.524C>T, p.Ser175Leu (NM_133629.3); short protein forms S287L, S175L, S307L.
Identifiers: ClinVar variation 1395136 (VCV001395136.8), dbSNP rs2142411300, ClinGen allele CA399086492.